The following is an entry in ClinVar:

ClinVar aggregate classification (germline): Uncertain significance (1 of 4 stars; one submission).

Submission:

Labcorp Genetics (formerly Invitae), Labcorp
Classification: Uncertain significance. Last evaluated: 2023-12-16. Review status: criteria provided, single submitter. Criteria: Invitae Variant Classification Sherloc (09022015). Collection method: clinical testing. Allele origin: germline.
Comment: This sequence change replaces serine, which is neutral and polar, with proline, which is neutral and non-polar, at codon 151 of the FECH protein (p.Ser151Pro). This variant is not present in population databases (gnomAD no frequency). This missense change has been observed in individual(s) with clinical features of erythropoietic protoporphyria (PMID: 9585598, 33021473; Invitae). In at least one individual the data is consistent with being in trans (on the opposite chromosome) from a pathogenic variant. An algorithm developed to predict the effect of missense changes on protein structure and function (PolyPhen-2) suggests that this variant is likely to be disruptive. Experimental studies have shown that this missense change affects FECH function (PMID: 9585598). In summary, the available evidence is currently insufficient to determine the role of this variant in disease. Therefore, it has been classified as a Variant of Uncertain Significance.

Literature cited by the submitters: PubMed 9585598; PubMed 33021473.

NM_000140.5(FECH):c.451T>C (p.Ser151Pro)

Gene: FECH (ferrochelatase; minus strand). Cytogenetic location: 18q21.31.
Variant type: single nucleotide variant.
Coding change: c.451T>C on transcript NM_000140.5 (MANE Select); coding-DNA position 451, T replaced by C.
Protein change: p.Ser151Pro; replaces serine 151 with proline.
Molecular consequence: missense variant.
Genome position (GRCh38, 1-based): chr18:57,571,404, A>G on the plus strand (T>C on the coding strand, the complement: FECH is on the minus strand). VCF-style: chr18-57571404-A-G. GRCh37 (hg19) VCF-style: chr18-55238636-A-G.
Other names: c.469T>C, p.Ser157Pro (NM_001012515.4); c.451T>C, p.Ser151Pro (NM_001371094.1, NM_001374778.1); c.235T>C, p.Ser79Pro (NM_001371095.1); short protein forms S79P, S151P, S157P.
Identifiers: ClinVar variation 2736739 (VCV002736739.3), dbSNP rs2511538737, ClinGen allele CA402536486.
Genomic context (GRCh38, chr18:57,571,404, plus strand): 5'-ACTTCGAAAGAACTAATCTAGTTACATGTTAATGAAGAAACACCATACCTGTGTTGGGGG[A>G]CAATTCATCCAGCAGCTTCACCATGCCCTCTCCCTGCTTGGAAGTCCATATCTTGATGGG-3'
Protein context (NP_000131.2, residues 141-161): EGMVKLLDEL[Ser151Pro]PNTAPHKYYI